The following is an entry in ClinVar:

NM_006516.4(SLC2A1):c.1208C>T (p.Ala403Val)

Gene: SLC2A1 (solute carrier family 2 member 1; minus strand). Cytogenetic location: 1p34.2.
Variant type: single nucleotide variant.
Coding change: c.1208C>T on transcript NM_006516.4 (MANE Select); coding-DNA position 1208, C replaced by T.
Protein change: p.Ala403Val; replaces alanine 403 with valine.
Molecular consequence: missense variant.
Genome position (GRCh38, 1-based): chr1:42,927,675, G>A on the plus strand (C>T on the coding strand, the complement: SLC2A1 is on the minus strand). VCF-style: chr1-42927675-G-A. GRCh37 (hg19) VCF-style: chr1-43393346-G-A.
Other names: short protein forms A403V.
Identifiers: ClinVar variation 2133173 (VCV002133173.4), dbSNP rs1643441873, ClinGen allele CA339953801.

ClinVar aggregate classification (germline): Pathogenic (1 of 4 stars; one submission).

Conditions:
GLUT1 deficiency syndrome 1, autosomal recessive. Identifiers: MedGen C3149117.

Submission:

Labcorp Genetics (formerly Invitae), Labcorp
Classification: Pathogenic for GLUT1 deficiency syndrome 1, autosomal recessive. Last evaluated: 2023-07-31. Review status: criteria provided, single submitter. Criteria: Invitae Variant Classification Sherloc (09022015). Collection method: clinical testing. Allele origin: germline.
Comment: For these reasons, this variant has been classified as Pathogenic. Advanced modeling of protein sequence and biophysical properties (such as structural, functional, and spatial information, amino acid conservation, physicochemical variation, residue mobility, and thermodynamic stability) performed at Invitae indicates that this missense variant is expected to disrupt SLC2A1 protein function. ClinVar contains an entry for this variant (Variation ID: 2133173). This missense change has been observed in individual(s) with GLUT1 deficiency syndrome (Invitae). In at least one individual the variant was observed to be de novo. This variant is not present in population databases (gnomAD no frequency). This sequence change replaces alanine, which is neutral and non-polar, with valine, which is neutral and non-polar, at codon 403 of the SLC2A1 protein (p.Ala403Val).